The following is an entry in ClinVar:

ClinVar aggregate classification (germline): Uncertain significance (1 of 4 stars; one submission).

Conditions:
Hereditary sensory and autonomic neuropathy type 6. Also called: HSAN VI; Neuropathy, hereditary sensory and autonomic, type VI. Identifiers: Orphanet 314381, MedGen C3539003, MONDO:0013839, OMIM 614653.
Epidermolysis bullosa simplex 3, localized or generalized intermediate, with BP230 deficiency (EBS3). Also called: Epidermolysis bullosa simplex, autosomal recessive 2; Epidermolysis bullosa simplex due to BP230 deficiency. Identifiers: Orphanet 412181, MedGen C3809470, MONDO:0014180, OMIM 615425.

Allele frequency attached by ClinVar (database versions not stated): gnomAD exomes 0.00001.
gnomAD v4.1: 17 of 1,614,168 alleles (0.0011%); highest among the groups gnomAD compares: Non-Finnish European, 0.0014%; no homozygotes.

Submission:

Labcorp Genetics (formerly Invitae), Labcorp
Classification: Uncertain significance for Epidermolysis bullosa simplex 3, localized or generalized intermediate, with BP230 deficiency; Hereditary sensory and autonomic neuropathy type 6. Last evaluated: 2019-09-22. Review status: criteria provided, single submitter. Criteria: Invitae Variant Classification Sherloc (09022015). Collection method: clinical testing. Allele origin: germline.
Comment: In summary, this variant is a novel missense change with uncertain impact on protein function. It has been classified as a Variant of Uncertain Significance. Algorithms developed to predict the effect of missense changes on protein structure and function do not agree on the potential impact of this missense change (SIFT: "Deleterious"; PolyPhen-2: "Possibly Damaging"; Align-GVGD: "Class C0"). This variant is not present in population databases (ExAC no frequency) and has not been reported in the literature in individuals with a DST-related disease. This sequence change replaces cysteine with tyrosine at codon 2555 of the DST protein (p.Cys2555Tyr). The cysteine residue is weakly conserved and there is a large physicochemical difference between cysteine and tyrosine.

NM_001723.7(DST):c.7664G>A (p.Cys2555Tyr)

Gene: DST (dystonin; minus strand). Cytogenetic location: 6p12.1.
Variant type: single nucleotide variant.
Coding change: c.7664G>A on transcript NM_001723.7 (MANE Plus Clinical); coding-DNA position 7664, G replaced by A.
Protein change: p.Cys2555Tyr; replaces cysteine 2555 with tyrosine.
Molecular consequence: missense variant. On other transcripts: intron variant (10).
Genome position (GRCh38, 1-based): chr6:56,615,803, C>T on the plus strand (G>A on the coding strand, the complement: DST is on the minus strand). VCF-style: chr6-56615803-C-T. GRCh37 (hg19) VCF-style: chr6-56480601-C-T.
Other names: c.4831-1319G>A (NM_001144769.5); c.4930-1319G>A (NM_001374722.1, NM_001374736.1); c.4957-1319G>A (NM_001374734.1); c.4417-1319G>A (NM_001144770.2); c.4297-1319G>A (NM_001374730.1, NM_001386100.1, NM_183380.4 and 1 more transcripts); c.3319-1319G>A (NM_015548.5); short protein forms C2555Y.
Identifiers: ClinVar variation 474553 (VCV000474553.11), dbSNP rs1355463553, ClinGen allele CA364562515.
Genomic context (GRCh38, chr6:56,615,803, plus strand): 5'-GATAACCGAGAGTGAACCTGTGGCTCTATCAACCCTCCTGTCAAGTACTGAAATTCCAAA[C>T]ATCGGATTCCCATTTCCTTATTTATAATATTTGCATTCACAGCTTCCACCACTGACATCA-3'
Protein context (NP_001714.1, residues 2545-2565): NIINKEMGIR[Cys2555Tyr]LEFQYLTGGL